The following is an entry in ClinVar:

ClinVar aggregate classification (germline): Pathogenic (1 of 4 stars; one submission).

Conditions:
CHARGE syndrome (CHARGE). Also called: Hittner Hirsch Kreh syndrome; CHARGE ASSOCIATION--COLOBOMA, HEART ANOMALY, CHOANAL ATRESIA, RETARDATION, GENITAL AND EAR ANOMALIES; Coloboma, heart anomaly, choanal atresia, retardation, genital and ear anomalies; CHARGE association; Hall-Hittner syndrome. Identifiers: Orphanet 138, MedGen C0265354, MONDO:0008965.

Submission:

Labcorp Genetics (formerly Invitae), Labcorp
Classification: Pathogenic for CHARGE syndrome. Last evaluated: 2022-11-03. Review status: criteria provided, single submitter. Criteria: Invitae Variant Classification Sherloc (09022015). Collection method: clinical testing. Allele origin: germline.
Comment: For these reasons, this variant has been classified as Pathogenic. This variant has not been reported in the literature in individuals affected with CHD7-related conditions. This variant is not present in population databases (gnomAD no frequency). This sequence change creates a premature translational stop signal (p.Tyr310Phefs*7) in the CHD7 gene. It is expected to result in an absent or disrupted protein product. Loss-of-function variants in CHD7 are known to be pathogenic (PMID: 22461308, 25077900).

Literature cited by the submitters: PubMed 22461308; PubMed 25077900.

NM_017780.4(CHD7):c.927_928del (p.Tyr310fs)

Gene: CHD7 (chromodomain helicase DNA binding protein 7; plus strand). Cytogenetic location: 8q12.2.
Variant type: Deletion.
Coding change: c.927_928del on transcript NM_017780.4 (MANE Select); coding-DNA positions 927 to 928, 2 bases deleted (GT; older notation c.927_928delGT).
Protein change: p.Tyr310fs; shifts the reading frame from tyrosine 310.
Molecular consequence: frameshift variant.
Genome position (GRCh38, 1-based): chr8:60,742,359-60,742,360, GT deleted. VCF-style (leftmost placement, unchanged base first): chr8-60742358-AGT-A. GRCh37 (hg19) VCF-style: chr8-61654917-AGT-A.
Other names: c.927_928del, p.Tyr310fs (NM_001316690.1); short protein forms Y310fs.
Identifiers: ClinVar variation 2804275 (VCV002804275.3), dbSNP rs2487273021, ClinGen allele CA2739268797.